The following is an entry in ClinVar:

NM_032228.6(FAR1):c.561C>T (p.Gly187=)

Gene: FAR1 (fatty acyl-CoA reductase 1; plus strand). Cytogenetic location: 11p15.3.
Variant type: single nucleotide variant.
Coding change: c.561C>T on transcript NM_032228.6 (MANE Select); coding-DNA position 561, C replaced by T.
Protein change: p.Gly187=; no amino-acid change (glycine 187 retained).
Molecular consequence: synonymous variant.
Genome position (GRCh38, 1-based): chr11:13,710,708, C>T. VCF-style: chr11-13710708-C-T. GRCh37 (hg19) VCF-style: chr11-13732255-C-T.
Other names: c.561C>T (NM_032228.5).
Identifiers: ClinVar variation 2903021 (VCV002903021.5), dbSNP rs759234971, ClinGen allele CA5893349.

ClinVar aggregate classification (germline): Likely benign. Review status: criteria provided, single submitter (1 of 4 stars). 2 submissions from 2 submitters: Likely benign (1). 1 of the submissions does not count toward it. Last evaluated 2024-02-25.

Conditions:
FAR1-related disorder. Also called: FAR1-related condition.

Allele frequency attached by ClinVar (database versions not stated): gnomAD exomes below 0.00001; ExAC 0.00001.
gnomAD v4.1: 2 of 1,588,764 alleles (0.00013%); highest among the groups gnomAD compares: Non-Finnish European, 0.00017%; no homozygotes.

Submissions (2):

Labcorp Genetics (formerly Invitae), Labcorp
Classification: Likely benign. Last evaluated: 2024-02-25. Review status: criteria provided, single submitter. Criteria: Invitae Variant Classification Sherloc (09022015). Collection method: clinical testing. Allele origin: germline.

PreventionGenetics, part of Exact Sciences
Classification: Likely benign for FAR1-related condition. Last evaluated: 2019-02-27. Review status: no assertion criteria provided. Collection method: clinical testing. Allele origin: germline. Not counted in ClinVar's aggregate classification.
Comment: This variant is classified as likely benign based on ACMG/AMP sequence variant interpretation guidelines (Richards et al. 2015 PMID: 25741868, with internal and published modifications).